The following is an entry in ClinVar:

ClinVar aggregate classification (germline): Uncertain significance (1 of 4 stars; one submission).

Conditions:
Cardiovascular phenotype. Identifiers: MedGen CN230736.

Submission:

Ambry Genetics
Classification: Uncertain significance for Cardiovascular phenotype. Last evaluated: 2025-12-16. Review status: criteria provided, single submitter. Criteria: Ambry Variant Classification Scheme 2023. Collection method: clinical testing. Allele origin: germline.
Comment: The p.L354M variant (also known as c.1060C>A), located in coding exon 8 of the ENG gene, results from a C to A substitution at nucleotide position 1060. The leucine at codon 354 is replaced by methionine, an amino acid with highly similar properties. This amino acid position is conserved. In addition, this alteration is predicted to be tolerated by in silico analysis. Based on the available evidence, the clinical significance of this variant remains unclear.

NM_001114753.3(ENG):c.1060C>A (p.Leu354Met)

Gene: ENG (endoglin; minus strand). Cytogenetic location: 9q34.11.
Variant type: single nucleotide variant.
Coding change: c.1060C>A on transcript NM_001114753.3 (MANE Select); coding-DNA position 1060, C replaced by A.
Protein change: p.Leu354Met; replaces leucine 354 with methionine.
Molecular consequence: missense variant.
Genome position (GRCh38, 1-based): chr9:127,824,378, G>T on the plus strand (C>A on the coding strand, the complement: ENG is on the minus strand). VCF-style: chr9-127824378-G-T. GRCh37 (hg19) VCF-style: chr9-130586657-G-T.
Other names: c.1060C>A, p.Leu354Met (NM_000118.4, NM_001406715.1); c.514C>A, p.Leu172Met (NM_001278138.2); short protein forms L172M, L354M.
Identifiers: ClinVar variation 4843447 (VCV004843447.1).
Genomic context (GRCh38, chr9:127,824,378, plus strand): 5'-TCTTTAGTACCAGGGTCATGGCGTCGTCGGCACACTTTGTCTGGATCAAGGACATGAGCA[G>T]CTCCGGGCTACAAGTGTCCTTGGGAGGAGTGGTCTGGATCGGTGCGGGTGAGGTCTGCAG-3'
Protein context (NP_001108225.1, residues 344-364): TPPKDTCSPE[Leu354Met]LMSLIQTKCA